The following is an entry in ClinVar:

NM_052844.4(DYNC2I2):c.1076C>T (p.Pro359Leu)

Genes: DYNC2I2 (dynein 2 intermediate chain 2; minus strand), LOC126860772 (CDK7 strongly-dependent group 2 enhancer GRCh37_chr9:131396972-131398171; plus strand). Cytogenetic location: 9q34.11.
Variant type: single nucleotide variant.
Coding change: c.1076C>T on transcript NM_052844.4 (MANE Select); coding-DNA position 1076, C replaced by T.
Protein change: p.Pro359Leu; replaces proline 359 with leucine.
Molecular consequence: missense variant.
Genome position (GRCh38, 1-based): chr9:128,634,827, G>A on the plus strand (C>T on the coding strand, the complement: DYNC2I2 is on the minus strand). VCF-style: chr9-128634827-G-A. GRCh37 (hg19) VCF-style: chr9-131397106-G-A.
Other names: short protein forms P359L.
Identifiers: ClinVar variation 2153405 (VCV002153405.1), dbSNP rs766982279, ClinGen allele CA5266350.

ClinVar aggregate classification (germline): Uncertain significance (1 of 4 stars; one submission).

Conditions:
Short-rib thoracic dysplasia 11 with or without polydactyly (SRTD11). Also called: SHORT-RIB THORACIC DYSPLASIA 11 WITHOUT POLYDACTYLY. Identifiers: Orphanet 474, Orphanet 93271, MedGen C3810200, MONDO:0014287, OMIM 615633.

Allele frequency attached by ClinVar (database versions not stated): gnomAD 0.00001; gnomAD exomes 0.00001; TOPMed 0.00003; ExAC 0.00004; 1000 Genomes Project 30x 0.00016.
gnomAD v4.1: 21 of 1,613,366 alleles (0.0013%); highest among the groups gnomAD compares: Admixed American, 0.005%; no homozygotes.

Submission:

Labcorp Genetics (formerly Invitae), Labcorp
Classification: Uncertain significance for Short-rib thoracic dysplasia 11 with or without polydactyly. Last evaluated: 2021-12-24. Review status: criteria provided, single submitter. Criteria: Invitae Variant Classification Sherloc (09022015). Collection method: clinical testing. Allele origin: germline.
Comment: This sequence change replaces proline, which is neutral and non-polar, with leucine, which is neutral and non-polar, at codon 359 of the WDR34 protein (p.Pro359Leu). This variant is present in population databases (rs766982279, gnomAD 0.006%). This variant has not been reported in the literature in individuals affected with WDR34-related conditions. Algorithms developed to predict the effect of missense changes on protein structure and function (SIFT, PolyPhen-2, Align-GVGD) all suggest that this variant is likely to be tolerated. In summary, the available evidence is currently insufficient to determine the role of this variant in disease. Therefore, it has been classified as a Variant of Uncertain Significance.